The following is an entry in ClinVar:

NM_002470.4(MYH3):c.605C>G (p.Thr202Ser)

Gene: MYH3 (myosin heavy chain 3; minus strand). Cytogenetic location: 17p13.1.
Variant type: single nucleotide variant.
Coding change: c.605C>G on transcript NM_002470.4 (MANE Select); coding-DNA position 605, C replaced by G.
Protein change: p.Thr202Ser; replaces threonine 202 with serine.
Molecular consequence: missense variant.
Genome position (GRCh38, 1-based): chr17:10,649,614, G>C on the plus strand (C>G on the coding strand, the complement: MYH3 is on the minus strand). VCF-style: chr17-10649614-G-C. GRCh37 (hg19) VCF-style: chr17-10552931-G-C.
Other names: short protein forms T202S.
Identifiers: ClinVar variation 3634462 (VCV003634462.2).

ClinVar aggregate classification (germline): Uncertain significance (1 of 4 stars; one submission).

Submission:

Labcorp Genetics (formerly Invitae), Labcorp
Classification: Uncertain significance. Last evaluated: 2024-07-14. Review status: criteria provided, single submitter. Criteria: Invitae Variant Classification Sherloc (09022015). Collection method: clinical testing. Allele origin: germline.
Comment: This sequence change replaces threonine, which is neutral and polar, with serine, which is neutral and polar, at codon 202 of the MYH3 protein (p.Thr202Ser). This variant is not present in population databases (gnomAD no frequency). This variant has not been reported in the literature in individuals affected with MYH3-related conditions. Advanced modeling of protein sequence and biophysical properties (such as structural, functional, and spatial information, amino acid conservation, physicochemical variation, residue mobility, and thermodynamic stability) performed at Invitae indicates that this missense variant is not expected to disrupt MYH3 protein function with a negative predictive value of 95%. In summary, the available evidence is currently insufficient to determine the role of this variant in disease. Therefore, it has been classified as a Variant of Uncertain Significance.